The following is an entry in ClinVar:

NM_002734.5(PRKAR1A):c.535C>T (p.Gln179Ter)

Gene: PRKAR1A (protein kinase cAMP-dependent type I regulatory subunit alpha; plus strand). Cytogenetic location: 17q24.2.
Variant type: single nucleotide variant.
Coding change: c.535C>T on transcript NM_002734.5 (MANE Select); coding-DNA position 535, C replaced by T.
Protein change: p.Gln179Ter; replaces glutamine 179 with a stop codon.
Molecular consequence: nonsense.
Genome position (GRCh38, 1-based): chr17:68,524,944, C>T. VCF-style: chr17-68524944-C-T. GRCh37 (hg19) VCF-style: chr17-66521085-C-T.
Other names: c.535C>T, p.Gln179Ter (NM_001276289.2, NM_001276290.1, NM_001278433.2 and 4 more transcripts); short protein forms Q179*.
Identifiers: ClinVar variation 379923 (VCV000379923.10), dbSNP rs141913727, ClinGen allele CA16607826.
Genomic context (GRCh38, chr17:68,524,944, plus strand): 5'-TGCTTCTAACTTTTTTACCCTCTTTTAGGTGATGAAGGGGATAACTTCTATGTGATTGAT[C>T]AAGGAGAGACGGATGTAAGATTTACCAATATCAAAAATATGTTGATCTTAAAAGCCAATG-3'

ClinVar aggregate classification (germline): Pathogenic. Review status: criteria provided, multiple submitters, no conflicts (2 of 4 stars). 2 submissions from 2 submitters: Pathogenic (2). Last evaluated 2021-11-12.

Conditions:
Carney complex, type 1 (CNC1). Also called: CARNEY COMPLEX, TYPE I; CARNEY MYXOMA-ENDOCRINE COMPLEX. Identifiers: Orphanet 1359, MedGen C2607929, MONDO:0008057, OMIM 160980.
Carney complex. Also called: LAMB SYNDROME; MYXOMA, SPOTTY PIGMENTATION, AND ENDOCRINE OVERACTIVITY; NAME SYNDROME; CARNEY SYNDROME. Identifiers: Orphanet 1359, MedGen C0406810, MONDO:0015285.

Submissions (2):

Labcorp Genetics (formerly Invitae), Labcorp
Classification: Pathogenic for Carney complex, type 1. Last evaluated: 2021-11-12. Review status: criteria provided, single submitter. Criteria: Invitae Variant Classification Sherloc (09022015). Collection method: clinical testing. Allele origin: germline.
Comment: For these reasons, this variant has been classified as Pathogenic. ClinVar contains an entry for this variant (Variation ID: 379923). This variant has not been reported in the literature in individuals affected with PRKAR1A-related conditions. This variant is not present in population databases (gnomAD no frequency). This sequence change creates a premature translational stop signal (p.Gln179*) in the PRKAR1A gene. It is expected to result in an absent or disrupted protein product. Loss-of-function variants in PRKAR1A are known to be pathogenic (PMID: 11115848, 19293268).

GeneDx
Classification: Pathogenic. Last evaluated: 2015-06-04. Review status: criteria provided, single submitter. Criteria: GeneDx Variant Classification (06012015). Collection method: clinical testing. Allele origin: germline. Affected: yes.
Comment: The Q179X nonsense variant in the PRKAR1A gene is predicted to cause loss of normal protein function either through protein truncation or nonsense-mediated mRNA decay. Although this variant has not been reported previously to our knowledge, we consider it to be pathogenic.

Literature cited by the submitters: PubMed 11115848 (cited by Labcorp Genetics (formerly Invitae), Labcorp); PubMed 19293268 (cited by Labcorp Genetics (formerly Invitae), Labcorp).